The following is an entry in ClinVar:

ClinVar aggregate classification (germline): Pathogenic. Review status: reviewed by expert panel (3 of 4 stars). 6 submissions from 6 submitters: Pathogenic (1). 5 of the submissions do not count toward it. Last evaluated 2016-09-08.

Conditions:
Hereditary breast ovarian cancer syndrome. Also called: Hereditary breast and ovarian cancer syndrome; Hereditary breast and ovarian cancer; Hereditary breast and ovarian cancer syndrome (HBOC); Breast and ovarian cancer; Hereditary breast and/or ovarian cancer syndrome; BRCA1- and BRCA2-Associated Hereditary Breast and Ovarian Cancer. Identifiers: Orphanet 145, MedGen C0677776, MeSH D061325, MONDO:0003582. Disease mechanism: loss of function.
Breast-ovarian cancer, familial, susceptibility to, 2 (BROVCA2). Also called: BRCA2 Hereditary Breast and Ovarian Cancer. Identifiers: Orphanet 145, MedGen C2675520, MONDO:0012933, OMIM 612555. Disease mechanism: loss of function.
Familial cancer of breast. Also called: BREAST CANCER, FAMILIAL; Hereditary breast cancer; hereditary breast carcinoma. Identifiers: Orphanet 227535, MedGen C0346153, MONDO:0016419, OMIM 114480. Disease mechanism: loss of function.

Submissions (6):

Evidence-based Network for the Interpretation of Germline Mutant Alleles (ENIGMA)
Classification: Pathogenic for Breast-ovarian cancer, familial, susceptibility to, 2. Last evaluated: 2016-09-08. Review status: reviewed by expert panel. Criteria: ENIGMA BRCA1/2 Classification Criteria (2015). Collection method: curation. Allele origin: germline.
Comment: Variant allele predicted to encode a truncated non-functional protein.

Labcorp Genetics (formerly Invitae), Labcorp
Classification: Pathogenic for Hereditary breast ovarian cancer syndrome. Last evaluated: 2025-11-17. Review status: criteria provided, single submitter. Criteria: Invitae Variant Classification Sherloc (09022015). Collection method: clinical testing. Allele origin: germline. Not counted in ClinVar's aggregate classification.
Comment: This sequence change creates a premature translational stop signal (p.Lys68Asnfs*12) in the BRCA2 gene. It is expected to result in an absent or disrupted protein product. Loss-of-function variants in BRCA2 are known to be pathogenic (PMID: 20104584). This variant is not present in population databases (gnomAD no frequency). This variant has not been reported in the literature in individuals affected with BRCA2-related conditions. This variant is also known as 432delA. ClinVar contains an entry for this variant (Variation ID: 51239). Algorithms developed to predict the effect of sequence changes on RNA splicing suggest that this variant may disrupt the consensus splice site. For these reasons, this variant has been classified as Pathogenic.

Baylor Genetics
Classification: Pathogenic for Familial cancer of breast. Last evaluated: 2021-05-15. Review status: criteria provided, single submitter. Criteria: ACMG Guidelines, 2015. Collection method: clinical testing. Allele origin: unknown. Not counted in ClinVar's aggregate classification.

Quest Diagnostics Nichols Institute San Juan Capistrano
Classification: Pathogenic. Last evaluated: 2015-12-16. Review status: criteria provided, single submitter. Criteria: Quest Diagnostics criteria. Collection method: clinical testing. Allele origin: germline. Not counted in ClinVar's aggregate classification.

Consortium of Investigators of Modifiers of BRCA1/2 (CIMBA), c/o University of Cambridge
Classification: Pathogenic for Breast-ovarian cancer, familial, susceptibility to, 2. Last evaluated: 2015-10-02. Review status: criteria provided, single submitter. Criteria: CIMBA Mutation Classification guidelines May 2016. Collection method: clinical testing. Allele origin: germline. Not counted in ClinVar's aggregate classification.

Breast Cancer Information Core (BIC) (BRCA2)
Classification: Pathogenic for Breast-ovarian cancer, familial 2. Last evaluated: 1999-06-22. Review status: no assertion criteria provided. Collection method: clinical testing. Allele origin: germline. Affected: yes. Observed: 2 variant alleles. Not counted in ClinVar's aggregate classification.

Literature cited by the submitters: PubMed 20104584 (cited by Labcorp Genetics (formerly Invitae), Labcorp); PubMed 26295337 (cited by Quest Diagnostics Nichols Institute San Juan Capistrano).

NM_000059.4(BRCA2):c.204del (p.Lys68fs)

Gene: BRCA2 (BRCA2 DNA repair associated; plus strand). Cytogenetic location: 13q13.1.
Variant type: Deletion.
Coding change: c.204del on transcript NM_000059.4 (MANE Select); coding-DNA position 204, one base deleted (A; older notation c.204delA).
Protein change: p.Lys68fs; shifts the reading frame from lysine 68.
Molecular consequence: frameshift variant.
Genome position (GRCh38, 1-based): chr13:32,319,213, A deleted; the last of 3 consecutive A bases (chr13:32,319,211-32,319,213); deleting any one gives the same sequence. VCF-style (leftmost placement, unchanged base first): chr13-32319210-GA-G. GRCh37 (hg19) VCF-style: chr13-32893347-GA-G.
Other names: 432delA; c.204delA (NM_000059.3).
Identifiers: ClinVar variation 51239 (VCV000051239.16), dbSNP rs80359320, ClinGen allele CA014238.
Genomic context (GRCh38, chr13:32,319,210, plus strand): 5'-AGAAGAATCTGAACATAAAAACAACAATTACGAACCAAACCTATTTAAAACTCCACAAAG[GA>G]AACCATCTTATAATCAGCTGGCTTCAACTCCAATAATATTCAAAGAGCAAGGGCTGACTC-3'